The following is an entry in ClinVar:

NM_000532.5(PCCB):c.586A>G (p.Ile196Val)

Gene: PCCB (propionyl-CoA carboxylase subunit beta; plus strand). Cytogenetic location: 3q22.3.
Variant type: single nucleotide variant.
Coding change: c.586A>G on transcript NM_000532.5 (MANE Select); coding-DNA position 586, A replaced by G.
Protein change: p.Ile196Val; replaces isoleucine 196 with valine.
Molecular consequence: missense variant.
Genome position (GRCh38, 1-based): chr3:136,283,879, A>G. VCF-style: chr3-136283879-A-G. GRCh37 (hg19) VCF-style: chr3-136002721-A-G.
Other names: c.646A>G, p.Ile216Val (NM_001178014.2); short protein forms I196V, I216V.
Identifiers: ClinVar variation 2166668 (VCV002166668.1), dbSNP rs1347396464, ClinGen allele CA354641848.

ClinVar aggregate classification (germline): Uncertain significance (1 of 4 stars; one submission).

Conditions:
Propionic acidemia (PROP). Also called: GLYCINEMIA, KETOTIC; HYPERGLYCINEMIA WITH KETOACIDOSIS AND LEUKOPENIA; KETOTIC HYPERGLYCINEMIA. Identifiers: Orphanet 35, MedGen C0268579, MONDO:0011628, OMIM 606054, HP:0003571.

Allele frequency attached by ClinVar (database versions not stated): gnomAD 0.00001.
gnomAD v4.1: 2 of 1,613,858 alleles (0.00012%); highest among the groups gnomAD compares: East Asian, 0.0045%; no homozygotes.

Submission:

Labcorp Genetics (formerly Invitae), Labcorp
Classification: Uncertain significance for Propionic acidemia. Last evaluated: 2022-07-11. Review status: criteria provided, single submitter. Criteria: Invitae Variant Classification Sherloc (09022015). Collection method: clinical testing. Allele origin: germline.
Comment: This sequence change replaces isoleucine, which is neutral and non-polar, with valine, which is neutral and non-polar, at codon 196 of the PCCB protein (p.Ile196Val). This variant is present in population databases (no rsID available, gnomAD 0.06%). This variant has not been reported in the literature in individuals affected with PCCB-related conditions. Advanced modeling of protein sequence and biophysical properties (such as structural, functional, and spatial information, amino acid conservation, physicochemical variation, residue mobility, and thermodynamic stability) performed at Invitae indicates that this missense variant is not expected to disrupt PCCB protein function. In summary, the available evidence is currently insufficient to determine the role of this variant in disease. Therefore, it has been classified as a Variant of Uncertain Significance.